The following is an entry in ClinVar:

NM_018012.4(KIF26B):c.3369G>A (p.Glu1123=)

Gene: KIF26B (kinesin family member 26B; plus strand). Cytogenetic location: 1q44.
Variant type: single nucleotide variant.
Coding change: c.3369G>A on transcript NM_018012.4 (MANE Select); coding-DNA position 3369, G replaced by A.
Protein change: p.Glu1123=; no amino-acid change (glutamic acid 1123 retained).
Molecular consequence: synonymous variant.
Genome position (GRCh38, 1-based): chr1:245,686,352, G>A. VCF-style: chr1-245686352-G-A. GRCh37 (hg19) VCF-style: chr1-245849654-G-A.
Identifiers: ClinVar variation 746278 (VCV000746278.6), dbSNP rs111230306, ClinGen allele CA1488234.

ClinVar aggregate classification (germline): Likely benign. Review status: criteria provided, multiple submitters, no conflicts (2 of 4 stars). 3 submissions from 3 submitters: Likely benign (2). 1 of the submissions does not count toward it. Last evaluated 2018-09-19.

Conditions:
KIF26B-related disorder. Also called: KIF26B-related condition.

Allele frequency attached by ClinVar (database versions not stated): gnomAD exomes 0.00010 and 0.00014; ExAC 0.00013; ESP Exome Variant Server 0.00049; gnomAD 0.00061 and 0.00063; TOPMed 0.00076.
gnomAD v4.1: 291 of 1,613,298 alleles (0.018%); highest among the groups gnomAD compares: African/African-American, 0.26%; 5 homozygotes.

Submissions (3):

Labcorp Genetics (formerly Invitae), Labcorp
Classification: Likely benign. Last evaluated: 2018-09-19. Review status: criteria provided, single submitter. Criteria: Invitae Variant Classification Sherloc (09022015). Collection method: clinical testing. Allele origin: germline.

Breakthrough Genomics
Classification: Likely benign. Review status: criteria provided, single submitter. Criteria: ACMG Guidelines, 2015. Collection method: not provided. Allele origin: germline. Inheritance: Unknown mechanism. Affected: yes.

PreventionGenetics, part of Exact Sciences
Classification: Likely benign for KIF26B-related condition. Last evaluated: 2019-09-10. Review status: no assertion criteria provided. Collection method: clinical testing. Allele origin: germline. Not counted in ClinVar's aggregate classification.
Comment: This variant is classified as likely benign based on ACMG/AMP sequence variant interpretation guidelines (Richards et al. 2015 PMID: 25741868, with internal and published modifications).